The following is an entry in ClinVar:

NM_001254.4(CDC6):c.123C>T (p.Thr41=)

Gene: CDC6 (cell division cycle 6; plus strand). Cytogenetic location: 17q21.2.
Variant type: single nucleotide variant.
Coding change: c.123C>T on transcript NM_001254.4 (MANE Select); coding-DNA position 123, C replaced by T.
Protein change: p.Thr41=; no amino-acid change (threonine 41 retained).
Molecular consequence: synonymous variant.
Genome position (GRCh38, 1-based): chr17:40,289,543, C>T. VCF-style: chr17-40289543-C-T. GRCh37 (hg19) VCF-style: chr17-38445795-C-T.
Identifiers: ClinVar variation 1587110 (VCV001587110.31), dbSNP rs372313551, ClinGen allele CA8541800.
Genomic context (GRCh38, chr17:40,289,543, plus strand): 5'-GGCATTGAACAAAGCTAAAAACTCCAGTGATGCCAAACTAGAACCAACAAATGTCCAAAC[C>T]GTAACCTGTTCTCCTCGTGTAAAAGCCCTGCCTCTCAGCCCCAGGAAACGTCTGGGTAAA-3'
Protein context (NP_001245.1, residues 31-51): DAKLEPTNVQ[Thr41=]VTCSPRVKAL

ClinVar aggregate classification (germline): Likely benign. Review status: criteria provided, multiple submitters, no conflicts (2 of 4 stars). 2 submissions from 2 submitters: Likely benign (2). Last evaluated 2025-07-22.

Allele frequency attached by ClinVar (database versions not stated): ExAC 0.00001; gnomAD exomes 0.00002; ESP Exome Variant Server 0.00008.
gnomAD v4.1: 40 of 1,613,864 alleles (0.0025%); highest among the groups gnomAD compares: South Asian, 0.0033%; no homozygotes.

Submissions (2):

Labcorp Genetics (formerly Invitae), Labcorp
Classification: Likely benign. Last evaluated: 2025-07-22. Review status: criteria provided, single submitter. Criteria: Invitae Variant Classification Sherloc (09022015). Collection method: clinical testing. Allele origin: germline.

CeGaT Center for Human Genetics Tuebingen
Classification: Likely benign. Last evaluated: 2023-06-01. Review status: criteria provided, single submitter. Criteria: CeGaT Center For Human Genetics Tuebingen Variant Classification Criteria Version 2. Collection method: clinical testing. Allele origin: germline. Affected: yes. Observed: 1 variant allele.
Comment: CDC6: BP4, BP7